The following is an entry in ClinVar:

ClinVar aggregate classification (germline): Likely pathogenic (1 of 4 stars; one submission).

Conditions:
Dilated cardiomyopathy 1G (CMD1G). Identifiers: Orphanet 154, MedGen C1858763, MONDO:0011400, OMIM 604145.
Autosomal recessive limb-girdle muscular dystrophy type 2J (LGMDR10). Also called: Limb-girdle muscular dystrophy, type 2J; MUSCULAR DYSTROPHY, LIMB-GIRDLE, AUTOSOMAL RECESSIVE 10. Identifiers: Orphanet 140922, MedGen C1837342, MONDO:0012127, OMIM 608807.

Submission:

Labcorp Genetics (formerly Invitae), Labcorp
Classification: Likely pathogenic for Dilated cardiomyopathy 1G; Autosomal recessive limb-girdle muscular dystrophy type 2J. Last evaluated: 2025-03-31. Review status: criteria provided, single submitter. Criteria: Invitae Variant Classification Sherloc (09022015). Collection method: clinical testing. Allele origin: germline.
Comment: This sequence change creates a premature translational stop signal (p.Arg30233Aspfs*57) in the TTN gene. While this is not anticipated to result in nonsense mediated decay, it is expected to create a truncated TTN protein. This variant is not present in population databases (gnomAD no frequency). This variant has not been reported in the literature in individuals affected with TTN-related conditions. ClinVar contains an entry for this variant (Variation ID: 857314). This variant is located in the A band of TTN (PMID: 25589632). Truncating variants in this region are significantly overrepresented in patients affected with dilated cardiomyopathy (PMID: 25589632). Truncating variants in this region have also been reported in individuals affected with autosomal recessive centronuclear myopathy (PMID: 23975875). In summary, the currently available evidence indicates that the variant is pathogenic, but additional data are needed to prove that conclusively. Therefore, this variant has been classified as Likely Pathogenic.

Literature cited by the submitters: PubMed 25589632; PubMed 23975875.

NM_001267550.2(TTN):c.90696del (p.Arg30233fs)

Genes: TTN-AS1 (TTN antisense RNA 1; plus strand), TTN (titin; minus strand). Cytogenetic location: 2q31.2.
Variant type: Deletion.
Coding change: c.90696del on transcript NM_001267550.2 (MANE Select); coding-DNA position 90696, one base deleted (T; older notation c.90696delT).
Protein change: p.Arg30233fs; shifts the reading frame from arginine 30233.
Molecular consequence: frameshift variant.
Genome position (GRCh38, 1-based): chr2:178,552,204, A deleted on the plus strand (T on the coding strand, the reverse complement: TTN is on the minus strand); the first of 2 consecutive A bases (chr2:178,552,204-178,552,205); deleting either gives the same sequence. VCF-style (leftmost placement, unchanged base first): chr2-178552203-GA-G. GRCh37 (hg19) VCF-style: chr2-179416930-GA-G.
Other names: c.85773del, p.Arg28592fs (NM_001256850.1); c.63501del, p.Arg21168fs (NM_003319.4); c.82992del, p.Arg27665fs (NM_133378.4); c.63876del, p.Arg21293fs (NM_133432.3); c.64077del, p.Arg21360fs (NM_133437.4); short protein forms R21293fs, R28592fs, R27665fs, R30233fs, R21168fs, R21360fs.
Identifiers: ClinVar variation 857314 (VCV000857314.10), dbSNP rs1699711208, ClinGen allele CA916081318.